The following is an entry in ClinVar:

NM_024306.5(FA2H):c.536del (p.Leu179fs)

Gene: FA2H (fatty acid 2-hydroxylase; minus strand). Cytogenetic location: 16q23.1.
Variant type: Deletion.
Coding change: c.536del on transcript NM_024306.5 (MANE Select); coding-DNA position 536, one base deleted (T; older notation c.536delT).
Protein change: p.Leu179fs; shifts the reading frame from leucine 179.
Molecular consequence: frameshift variant.
Genome position (GRCh38, 1-based): chr16:74,726,302, A deleted on the plus strand (T on the coding strand, the reverse complement: FA2H is on the minus strand). VCF-style (leftmost placement, unchanged base first): chr16-74726301-CA-C. GRCh37 (hg19) VCF-style: chr16-74760199-CA-C.
Other names: short protein forms L179fs.
Identifiers: ClinVar variation 4884495 (VCV004884495.1).

ClinVar aggregate classification (germline): Likely pathogenic (1 of 4 stars; one submission).

Conditions:
Hereditary spastic paraplegia 35. Also called: Spastic paraplegia 35; LEUKODYSTROPHY, DYSMYELINATING, AND SPASTIC PARAPARESIS WITH OR WITHOUT DYSTONIA; Spastic paraplegia 35, autosomal recessive; SPASTIC PARAPLEGIA 35, AUTOSOMAL RECESSIVE, WITH OR WITHOUT NEURODEGENERATION. Identifiers: Orphanet 171629, MedGen C3496228, MONDO:0012866, OMIM 612319.

Submission:

Diagnostics Services (NGS), CSIR - Centre For Cellular And Molecular Biology
Classification: Likely pathogenic for Hereditary spastic paraplegia 35. Last evaluated: 2026-06-12. Review status: criteria provided, single submitter. Criteria: ACMG Guidelines, 2015. Collection method: clinical testing. Allele origin: germline. Affected: no. Observed: 1 variant allele, 1 heterozygote.